The following is an entry in ClinVar:

NM_006514.4(SCN10A):c.1290+115T>A

Gene: SCN10A (sodium voltage-gated channel alpha subunit 10; minus strand). Cytogenetic location: 3p22.2.
Variant type: single nucleotide variant.
Coding change: c.1290+115T>A on transcript NM_006514.4 (MANE Select); 115 bases into the intron after coding-DNA position 1290, T replaced by A.
Molecular consequence: intron variant.
Genome position (GRCh38, 1-based): chr3:38,756,559, A>T on the plus strand (T>A on the coding strand, the complement: SCN10A is on the minus strand). VCF-style: chr3-38756559-A-T. GRCh37 (hg19) VCF-style: chr3-38798050-A-T.
Other names: c.1290+115T>A (NM_001293307.2, NM_001293306.2).
Identifiers: ClinVar variation 669277 (VCV000669277.1), dbSNP rs111682647, ClinGen allele CA72990918.
Genomic context (GRCh38, chr3:38,756,559, plus strand): 5'-AGAATCCTCACTTAGCTTCTTCTTTGAGAAAACCTGATCTAATATGGTCCCTGAGGCAAG[A>T]TGATTCCTCCTATAGCTCCCTAAACGGTGCCCTAATTGAAGTGGCTAGTCCAGAACAGTA-3'

ClinVar aggregate classification (germline): Likely benign (1 of 4 stars; one submission).

Allele frequency attached by ClinVar (database versions not stated): 1000 Genomes Project 30x 0.01249; 1000 Genomes Project 0.01318; TOPMed 0.02576.
gnomAD v4.1: 25,847 of 825,130 alleles (3.1%); highest among the groups gnomAD compares: Middle Eastern, 4.5%; 490 homozygotes.

Submission:

GeneDx
Classification: Likely benign. Last evaluated: 2018-06-14. Review status: criteria provided, single submitter. Criteria: GeneDx Variant Classification (06012015). Collection method: clinical testing. Allele origin: germline. Affected: yes.
Comment: This variant is considered likely benign or benign based on one or more of the following criteria: it is a conservative change, it occurs at a poorly conserved position in the protein, it is predicted to be benign by multiple in silico algorithms, and/or has population frequency not consistent with disease.